The following is an entry in ClinVar:

ClinVar aggregate classification (germline): Uncertain significance. Review status: criteria provided, multiple submitters, no conflicts (2 of 4 stars). 2 submissions from 2 submitters: Uncertain significance (2). Last evaluated 2024-12-02.

Conditions:
Hypogonadotropic hypogonadism 2 with or without anosmia (HH2). Also called: HYPOGONADOTROPIC HYPOGONADISM 2 WITHOUT ANOSMIA; HYPOGONADOTROPIC HYPOGONADISM 2 WITH OR WITHOUT ANOSMIA, SUSCEPTIBILITY TO; HYPOGONADOTROPIC HYPOGONADISM 2 WITHOUT ANOSMIA, SUSCEPTIBILITY TO; FGFR1-Related GnRH Deficiency (Kallmann Syndrome 2). Identifiers: Orphanet 478, MedGen C1563720, MONDO:0007844, OMIM 147950. Disease mechanism: loss of function.
Pfeiffer syndrome (ACS5). Also called: ACS V. Identifiers: Orphanet 710, MedGen C0220658, MONDO:0007043, OMIM 101600.
Osteoglophonic dysplasia (OGD). Also called: Osteoglophonic dwarfism. Identifiers: Orphanet 2645, MedGen C0432283, MONDO:0008150, OMIM 166250.
Jackson-Weiss syndrome (JWS). Also called: CRANIOSYNOSTOSIS, MIDFACIAL HYPOPLASIA, AND FOOT ABNORMALITIES. Identifiers: Orphanet 1540, MedGen C0795998, MONDO:0007400, OMIM 123150. Disease mechanism: loss of function.
Hartsfield-Bixler-Demyer syndrome (HRTFDS). Also called: Hartsfield syndrome; Holoprosencephaly, ectrodactyly, and bilateral cleft lip/palate; FGFR1-Related Hartsfield Syndrome. Identifiers: Orphanet 2117, MedGen C1845146, MONDO:0014196, OMIM 615465. Disease mechanism: loss of function.
Trigonocephaly 1 (TRIGNO1). Identifiers: Orphanet 3366, MedGen C0432122, MONDO:0008603, OMIM 190440.
Encephalocraniocutaneous lipomatosis (ECCL). Identifiers: Orphanet 2396, MedGen C0406612, MONDO:0013074, OMIM 613001.

Allele frequency attached by ClinVar (database versions not stated): gnomAD 0.00001; ExAC 0.00006.

Submissions (2):

Labcorp Genetics (formerly Invitae), Labcorp
Classification: Uncertain significance for Pfeiffer syndrome; Hypogonadotropic hypogonadism 2 with or without anosmia. Last evaluated: 2024-12-02. Review status: criteria provided, single submitter. Criteria: Invitae Variant Classification Sherloc (09022015). Collection method: clinical testing. Allele origin: germline.
Comment: This sequence change replaces aspartic acid, which is acidic and polar, with tyrosine, which is neutral and polar, at codon 90 of the FGFR1 protein (p.Asp90Tyr). This variant is present in population databases (rs770577710, gnomAD 0.02%). This variant has not been reported in the literature in individuals affected with FGFR1-related conditions. ClinVar contains an entry for this variant (Variation ID: 2054495). Invitae Evidence Modeling of protein sequence and biophysical properties (such as structural, functional, and spatial information, amino acid conservation, physicochemical variation, residue mobility, and thermodynamic stability) has been performed for this missense variant. However, the output from this modeling did not meet the statistical confidence thresholds required to predict the impact of this variant on FGFR1 protein function. In summary, the available evidence is currently insufficient to determine the role of this variant in disease. Therefore, it has been classified as a Variant of Uncertain Significance.

Department of Pathology and Laboratory Medicine, Sinai Health System
Classification: Uncertain significance for Pfeiffer syndrome; Jackson-Weiss syndrome; Hypogonadotropic hypogonadism 2 with or without anosmia; Osteoglophonic dysplasia; Trigonocephaly 1; Encephalocraniocutaneous lipomatosis; Hartsfield-Bixler-Demyer syndrome. Last evaluated: 2023-05-17. Review status: criteria provided, single submitter. Criteria: ACMG Guidelines, 2015. Collection method: research. Allele origin: germline.

NM_023110.3(FGFR1):c.268G>T (p.Asp90Tyr)

Gene: FGFR1 (fibroblast growth factor receptor 1; minus strand). Cytogenetic location: 8p11.23.
Variant type: single nucleotide variant.
Coding change: c.268G>T on transcript NM_023110.3 (MANE Select); coding-DNA position 268, G replaced by T.
Protein change: p.Asp90Tyr; replaces aspartic acid 90 with tyrosine.
Molecular consequence: missense variant. On other transcripts: intron variant (5).
Genome position (GRCh38, 1-based): chr8:38,429,772, C>A on the plus strand (G>T on the coding strand, the complement: FGFR1 is on the minus strand). VCF-style: chr8-38429772-C-A. GRCh37 (hg19) VCF-style: chr8-38287290-C-A.
Other names: c.268G>T, p.Asp90Tyr (NM_000604.2, NM_001174063.2, NM_001174065.2 and 4 more transcripts); c.244G>T, p.Asp82Tyr (NM_001174064.2); c.367G>T, p.Asp123Tyr (NM_001174067.2); c.92-1337G>T (NM_001354368.2, NM_001354370.2, NM_023106.3 and 2 more transcripts); short protein forms D123Y, D82Y, D90Y.
Identifiers: ClinVar variation 2054495 (VCV002054495.5), dbSNP rs770577710, ClinGen allele CA4718834.
Genomic context (GRCh38, chr8:38,429,772, plus strand): 5'-CACTGCCCGAGGGGCTGCTGGTTACGCAAGCATAGAGGCCGGAGTCTGCGGGCACGGAGT[C>A]CTGCACCTCCACCTCCTCCCCTGTGATGCGGGTGCGGTTGCTTTCCGCCAGCTGCACCCC-3'
Protein context (NP_075598.2, residues 80-100): RITGEEVEVQ[Asp90Tyr]SVPADSGLYA